The following is an entry in ClinVar:

ClinVar aggregate classification (germline): Uncertain significance (1 of 4 stars; one submission).

Allele frequency attached by ClinVar (database versions not stated): gnomAD exomes 0.00001; TOPMed 0.00001.
gnomAD v4.1: 9 of 1,211,752 alleles (0.00074%); highest among the groups gnomAD compares: Non-Finnish European, 0.001%; no homozygotes.

Submission:

GeneDx
Classification: Uncertain significance. Last evaluated: 2021-05-27. Review status: criteria provided, single submitter. Criteria: GeneDx Variant Classification Process June 2021. Collection method: clinical testing. Allele origin: germline. Affected: yes.
Comment: Not observed at significant frequency in large population cohorts (Lek et al., 2016); Missense variants in this gene are often considered pathogenic (Stenson et al., 2014); In silico analysis supports that this missense variant does not alter protein structure/function; Has not been previously published as pathogenic or benign to our knowledge; This variant is associated with the following publications: (PMID: 27535533, 26432019)

NM_003334.4(UBA1):c.3085C>T (p.Arg1029Cys)

Gene: UBA1 (ubiquitin like modifier activating enzyme 1; plus strand). Cytogenetic location: Xp11.3.
Variant type: single nucleotide variant.
Coding change: c.3085C>T on transcript NM_003334.4 (MANE Select); coding-DNA position 3085, C replaced by T.
Protein change: p.Arg1029Cys; replaces arginine 1029 with cysteine.
Molecular consequence: missense variant.
Genome position (GRCh38, 1-based): chrX:47,214,837, C>T. VCF-style: chrX-47214837-C-T. GRCh37 (hg19) VCF-style: chrX-47074236-C-T.
Other names: c.3085C>T, p.Arg1029Cys (NM_153280.3); short protein forms R1029C.
Identifiers: ClinVar variation 1326812 (VCV001326812.2), dbSNP rs1489105528, ClinGen allele CA412812429.